The following is an entry in ClinVar:

ClinVar aggregate classification (germline): Uncertain significance (1 of 4 stars; one submission).

Conditions:
Primary ciliary dyskinesia. Also called: Ciliary dyskinesia. Identifiers: Orphanet 244, MedGen C0008780, MONDO:0016575, HP:0012265.

Allele frequency attached by ClinVar (database versions not stated): gnomAD exomes below 0.00001.
gnomAD v4.1: 1 of 1,613,918 alleles (0.000062%); highest among the groups gnomAD compares: Non-Finnish European, 0.000085%; no homozygotes.

Submission:

Labcorp Genetics (formerly Invitae), Labcorp
Classification: Uncertain significance for Primary ciliary dyskinesia. Last evaluated: 2022-05-13. Review status: criteria provided, single submitter. Criteria: Invitae Variant Classification Sherloc (09022015). Collection method: clinical testing. Allele origin: germline.
Comment: This variant has not been reported in the literature in individuals affected with DNAH5-related conditions. Advanced modeling of protein sequence and biophysical properties (such as structural, functional, and spatial information, amino acid conservation, physicochemical variation, residue mobility, and thermodynamic stability) performed at Invitae indicates that this missense variant is expected to disrupt DNAH5 protein function. In summary, the available evidence is currently insufficient to determine the role of this variant in disease. Therefore, it has been classified as a Variant of Uncertain Significance. This variant is not present in population databases (gnomAD no frequency). This sequence change replaces tryptophan, which is neutral and slightly polar, with arginine, which is basic and polar, at codon 2334 of the DNAH5 protein (p.Trp2334Arg).

NM_001369.3(DNAH5):c.7000T>C (p.Trp2334Arg)

Gene: DNAH5 (dynein axonemal heavy chain 5; minus strand). Cytogenetic location: 5p15.2.
Variant type: single nucleotide variant.
Coding change: c.7000T>C on transcript NM_001369.3 (MANE Select); coding-DNA position 7000, T replaced by C.
Protein change: p.Trp2334Arg; replaces tryptophan 2334 with arginine.
Molecular consequence: missense variant.
Genome position (GRCh38, 1-based): chr5:13,814,835, A>G on the plus strand (T>C on the coding strand, the complement: DNAH5 is on the minus strand). VCF-style: chr5-13814835-A-G. GRCh37 (hg19) VCF-style: chr5-13814944-A-G.
Other names: short protein forms W2334R.
Identifiers: ClinVar variation 1930005 (VCV001930005.5), dbSNP rs2546825868, ClinGen allele CA359191373.